The following is an entry in ClinVar:

NM_000051.4(ATM):c.4506C>T (p.Cys1502=)

Gene: ATM (ATM serine/threonine kinase; plus strand). Cytogenetic location: 11q22.3.
Variant type: single nucleotide variant.
Coding change: c.4506C>T on transcript NM_000051.4 (MANE Select); coding-DNA position 4506, C replaced by T.
Protein change: p.Cys1502=; no amino-acid change (cysteine 1502 retained).
Molecular consequence: synonymous variant.
Genome position (GRCh38, 1-based): chr11:108,292,688, C>T. VCF-style: chr11-108292688-C-T. GRCh37 (hg19) VCF-style: chr11-108163415-C-T.
Other names: c.4506C>T, p.Cys1502= (NM_001351834.2).
Identifiers: ClinVar variation 232663 (VCV000232663.9), dbSNP rs876659908, ClinGen allele CA10579152.

ClinVar aggregate classification (germline): Benign/Likely benign. Review status: criteria provided, multiple submitters, no conflicts (2 of 4 stars). 3 submissions from 3 submitters: Benign (1); Likely benign (2). Last evaluated 2024-05-20.

Conditions:
Ataxia-telangiectasia syndrome (AT). Also called: Ataxia telangiectasia (A-T); Ataxia-telangiectasia, complementation group E; LOUIS-BAR SYNDROME; Cerebello-oculocutaneous telangiectasia; Immunodeficiency with ataxia telangiectasia; Ataxia-telangiectasia, complementation group D. Identifiers: Orphanet 100, MedGen C0004135, MONDO:0008840, OMIM 208900.
Hereditary cancer-predisposing syndrome. Also called: Hereditary Cancer Syndrome; Neoplastic Syndromes, Hereditary; Tumor predisposition; Hereditary neoplastic syndrome. Identifiers: Orphanet 140162, MedGen C0027672, MeSH D009386, MONDO:0015356.
Familial cancer of breast. Also called: Hereditary breast cancer; hereditary breast carcinoma; BREAST CANCER, FAMILIAL. Identifiers: Orphanet 227535, MedGen C0346153, MONDO:0016419, OMIM 114480. Disease mechanism: loss of function.

Allele frequency attached by ClinVar (database versions not stated): gnomAD exomes 0.00001; TOPMed below 0.00001.
gnomAD v4.1: 6 of 1,613,690 alleles (0.00037%); highest among the groups gnomAD compares: Non-Finnish European, 0.00051%; no homozygotes.

Submissions (3):

Myriad Genetics, Inc.
Classification: Benign for Familial cancer of breast. Last evaluated: 2024-05-20. Review status: criteria provided, single submitter. Criteria: Myriad Autosomal Dominant, Autosomal Recessive and X-Linked Classification Criteria (2023). Collection method: clinical testing. Allele origin: unknown.
Comment: This variant is considered benign. This variant is a silent/synonymous amino acid change and it is not expected to impact splicing.

Labcorp Genetics (formerly Invitae), Labcorp
Classification: Likely benign for Ataxia-telangiectasia syndrome. Last evaluated: 2023-01-17. Review status: criteria provided, single submitter. Criteria: Invitae Variant Classification Sherloc (09022015). Collection method: clinical testing. Allele origin: germline.

Ambry Genetics
Classification: Likely benign for Hereditary cancer-predisposing syndrome. Last evaluated: 2022-01-24. Review status: criteria provided, single submitter. Criteria: Ambry Variant Classification Scheme 2023. Collection method: clinical testing. Allele origin: germline.